The following is an entry in ClinVar:

NM_017671.5(FERMT1):c.1884C>T (p.Asn628=)

Gene: FERMT1 (FERM domain containing kindlin 1; minus strand). Cytogenetic location: 20p12.3.
Variant type: single nucleotide variant.
Coding change: c.1884C>T on transcript NM_017671.5 (MANE Select); coding-DNA position 1884, C replaced by T.
Protein change: p.Asn628=; no amino-acid change (asparagine 628 retained).
Molecular consequence: synonymous variant.
Genome position (GRCh38, 1-based): chr20:6,077,323, G>A on the plus strand (C>T on the coding strand, the complement: FERMT1 is on the minus strand). VCF-style: chr20-6077323-G-A. GRCh37 (hg19) VCF-style: chr20-6057970-G-A.
Identifiers: ClinVar variation 339206 (VCV000339206.44), dbSNP rs2232083, ClinGen allele CA9758001.

ClinVar aggregate classification (germline): Benign/Likely benign. Review status: criteria provided, multiple submitters, no conflicts (2 of 4 stars). 4 submissions from 4 submitters: Benign (3); Likely benign (1). Last evaluated 2026-02-01.

Conditions:
Kindler syndrome (KNDLRS). Also called: BULLOUS ACROKERATOTIC POIKILODERMA OF KINDLER AND WEARY; POIKILODERMA, CONGENITAL, WITH BULLAE, WEARY TYPE; POIKILODERMA, HEREDITARY ACROKERATOTIC; Poikiloderma of Kindler; Congenital bullous poikiloderma; Kindler's syndrome. Identifiers: Orphanet 2908, Orphanet 306539, MedGen C0406557, MONDO:0008260, OMIM 173650.

Allele frequency attached by ClinVar (database versions not stated): 1000 Genomes Project 0.00260; 1000 Genomes Project 30x 0.00265; TOPMed 0.00490; ESP Exome Variant Server 0.00646; gnomAD 0.00775 and 0.00821; gnomAD exomes 0.00887 and 0.00956; ExAC 0.01006.
gnomAD v4.1: 13,994 of 1,614,136 alleles (0.87%); highest among the groups gnomAD compares: Non-Finnish European, 0.91%; 94 homozygotes.

Submissions (4):

Labcorp Genetics (formerly Invitae), Labcorp
Classification: Benign. Last evaluated: 2026-02-01. Review status: criteria provided, single submitter. Criteria: Invitae Variant Classification Sherloc (09022015). Collection method: clinical testing. Allele origin: germline.

CeGaT Center for Human Genetics Tuebingen
Classification: Likely benign. Last evaluated: 2025-10-01. Review status: criteria provided, single submitter. Criteria: CeGaT Center For Human Genetics Tuebingen Variant Classification Criteria Version 2. Collection method: clinical testing. Allele origin: germline. Affected: yes. Observed: 8 variant alleles.
Comment: FERMT1: BP4, BP7, BS2

Illumina Laboratory Services, Illumina
Classification: Benign for Kindler syndrome. Last evaluated: 2018-01-13. Review status: criteria provided, single submitter. Criteria: ICSL Variant Classification Criteria 13 December 2019. Collection method: clinical testing. Allele origin: germline.
Comment: This variant was observed in the ICSL laboratory as part of a predisposition screen in an ostensibly healthy population. It had not been previously curated by ICSL or reported in the Human Gene Mutation Database (HGMD: prior to June 1st, 2018), and was therefore a candidate for classification through an automated scoring system. Utilizing variant allele frequency, disease prevalence and penetrance estimates, and inheritance mode, an automated score was calculated to assess if this variant is too frequent to cause the disease. Based on the score and internal cut-off values, a variant classified as benign is not then subjected to further curation. The score for this variant resulted in a classification of benign for this disease.

Breakthrough Genomics
Classification: Benign. Review status: criteria provided, single submitter. Criteria: ACMG Guidelines, 2015. Collection method: not provided. Allele origin: germline. Inheritance: Autosomal recessive inheritance. Affected: yes.